The following is an entry in ClinVar:

ClinVar aggregate classification (germline): Uncertain significance (1 of 4 stars; one submission).

gnomAD v4.1: 6 of 1,613,966 alleles (0.00037%); highest among the groups gnomAD compares: African/African-American, 0.0067%; no homozygotes.

Submission:

Labcorp Genetics (formerly Invitae), Labcorp
Classification: Uncertain significance. Last evaluated: 2025-11-28. Review status: criteria provided, single submitter. Criteria: Invitae Variant Classification Sherloc (09022015). Collection method: clinical testing. Allele origin: germline.
Comment: This sequence change replaces proline, which is neutral and non-polar, with leucine, which is neutral and non-polar, at codon 52 of the IL18BP protein (p.Pro52Leu). This variant is present in population databases (rs753431974, gnomAD 0.007%). This variant has not been reported in the literature in individuals affected with IL18BP-related conditions. An algorithm developed to predict the effect of missense changes on protein structure and function outputs the following: PolyPhen-2: "Benign". The leucine amino acid residue is found in multiple mammalian species, which suggests that this missense change does not adversely affect protein function. In summary, the available evidence is currently insufficient to determine the role of this variant in disease. Therefore, it has been classified as a Variant of Uncertain Significance.

NM_001039660.2(IL18BP):c.155C>T (p.Pro52Leu)

Gene: IL18BP (interleukin 18 binding protein; plus strand). Cytogenetic location: 11q13.4.
Variant type: single nucleotide variant.
Coding change: c.155C>T on transcript NM_001039660.2 (MANE Select); coding-DNA position 155, C replaced by T.
Protein change: p.Pro52Leu; replaces proline 52 with leucine.
Molecular consequence: missense variant.
Genome position (GRCh38, 1-based): chr11:72,000,477, C>T. VCF-style: chr11-72000477-C-T. GRCh37 (hg19) VCF-style: chr11-71711523-C-T.
Other names: c.155C>T, p.Pro52Leu (NM_001039659.2, NM_001145055.1, NM_001145057.1 and 3 more transcripts); short protein forms P52L.
Identifiers: ClinVar variation 4705872 (VCV004705872.1).
Genomic context (GRCh38, chr11:72,000,477, plus strand): 5'-CTGTCTCGCAGACCACCACAGCTGCCACTGCCTCAGTTAGAAGCACAAAGGACCCCTGCC[C>T]CTCCCAGCCCCCAGTGTTCCCAGCAGCTAAGCAGTGTCCAGCATTGGAAGTGACCTGGCC-3'
Protein context (NP_001034749.1, residues 42-62): ASVRSTKDPC[Pro52Leu]SQPPVFPAAK